The following is an entry in ClinVar:

NM_004655.4(AXIN2):c.161A>G (p.Asn54Ser)

Gene: AXIN2 (axin 2; minus strand). Cytogenetic location: 17q24.1.
Variant type: single nucleotide variant.
Coding change: c.161A>G on transcript NM_004655.4 (MANE Select); coding-DNA position 161, A replaced by G.
Protein change: p.Asn54Ser; replaces asparagine 54 with serine.
Molecular consequence: missense variant.
Genome position (GRCh38, 1-based): chr17:65,558,460, T>C on the plus strand (A>G on the coding strand, the complement: AXIN2 is on the minus strand). VCF-style: chr17-65558460-T-C. GRCh37 (hg19) VCF-style: chr17-63554578-T-C.
Other names: c.161A>G (LRG_296t1); c.161A>G, p.Asn54Ser (NM_001363813.1); short protein forms N54S.
Identifiers: ClinVar variation 234746 (VCV000234746.17), dbSNP rs876661194, ClinGen allele CA10577574.

ClinVar aggregate classification (germline): Uncertain significance. Review status: criteria provided, multiple submitters, no conflicts (2 of 4 stars). 5 submissions from 5 submitters: Uncertain significance (5). Last evaluated 2025-03-09.

Conditions:
Hereditary cancer-predisposing syndrome. Also called: Hereditary neoplastic syndrome; Hereditary Cancer Syndrome; Neoplastic Syndromes, Hereditary; Tumor predisposition. Identifiers: Orphanet 140162, MedGen C0027672, MeSH D009386, MONDO:0015356.
Oligodontia-cancer predisposition syndrome. Also called: TOOTH AGENESIS-COLORECTAL CANCER SYNDROME. Identifiers: Orphanet 300576, MedGen C1837750, MONDO:0012075, OMIM 608615. Disease mechanism: loss of function.

Allele frequency attached by ClinVar (database versions not stated): TOPMed below 0.00001; gnomAD 0.00001; gnomAD exomes 0.00001.
gnomAD v4.1: 4 of 1,603,282 alleles (0.00025%); highest among the groups gnomAD compares: Non-Finnish European, 0.00034%; no homozygotes.

Submissions (5):

Ambry Genetics
Classification: Uncertain significance for Hereditary cancer-predisposing syndrome. Last evaluated: 2025-03-09. Review status: criteria provided, single submitter. Criteria: Ambry Variant Classification Scheme 2023. Collection method: clinical testing. Allele origin: germline.
Comment: The p.N54S variant (also known as c.161A>G), located in coding exon 1 of the AXIN2 gene, results from an A to G substitution at nucleotide position 161. The asparagine at codon 54 is replaced by serine, an amino acid with highly similar properties. This amino acid position is poorly conserved in available vertebrate species. In addition, this alteration is predicted to be tolerated by in silico analysis. Since supporting evidence is limited at this time, the clinical significance of this alteration remains unclear.

Labcorp Genetics (formerly Invitae), Labcorp
Classification: Uncertain significance for Oligodontia-cancer predisposition syndrome. Last evaluated: 2025-02-04. Review status: criteria provided, single submitter. Criteria: Invitae Variant Classification Sherloc (09022015). Collection method: clinical testing. Allele origin: germline.
Comment: This sequence change replaces asparagine, which is neutral and polar, with serine, which is neutral and polar, at codon 54 of the AXIN2 protein (p.Asn54Ser). This variant is not present in population databases (gnomAD no frequency). This variant has not been reported in the literature in individuals affected with AXIN2-related conditions. ClinVar contains an entry for this variant (Variation ID: 234746). Invitae Evidence Modeling of protein sequence and biophysical properties (such as structural, functional, and spatial information, amino acid conservation, physicochemical variation, residue mobility, and thermodynamic stability) indicates that this missense variant is not expected to disrupt AXIN2 protein function with a negative predictive value of 80%. RNA analysis performed to evaluate the impact of this missense change on mRNA splicing indicates it does not significantly alter splicing (internal data). In summary, the available evidence is currently insufficient to determine the role of this variant in disease. Therefore, it has been classified as a Variant of Uncertain Significance.

Quest Diagnostics Nichols Institute San Juan Capistrano
Classification: Uncertain significance. Last evaluated: 2024-06-14. Review status: criteria provided, single submitter. Criteria: Quest Diagnostics criteria. Collection method: clinical testing. Allele origin: unknown.
Comment: The AXIN2 c.161A>G (p.Asn54Ser) variant has not been reported in individuals with AXIN2-related conditions in the published literature. The frequency of this variant in the general population, 0.0000066 (1/152172 chromosomes (Genome Aggregation Database)), is uninformative in the assessment of its pathogenicity. Analysis of this variant using bioinformatics tools for the prediction of the effect of amino acid changes on protein structure and function yielded predictions that this variant is benign. Additional analysis using software algorithms for the prediction of the effect of nucleotide changes on AXIN2 mRNA splicing yielded predictions that this variant may result in the gain of a cryptic splice site without affecting the natural splice sites. Based on the available information, we are unable to determine the clinical significance of this variant.

Revvity Omics, Revvity
Classification: Uncertain significance for Oligodontia-cancer predisposition syndrome. Last evaluated: 2023-08-10. Review status: criteria provided, single submitter. Criteria: ACMG Guidelines, 2015. Collection method: clinical testing. Allele origin: germline.

GeneDx
Classification: Uncertain significance. Last evaluated: 2023-03-22. Review status: criteria provided, single submitter. Criteria: GeneDx Variant Classification Process June 2021. Collection method: clinical testing. Allele origin: germline. Affected: yes.
Comment: Not observed at significant frequency in large population cohorts (gnomAD); In silico analysis supports that this missense variant does not alter protein structure/function; Has not been previously published as pathogenic or benign to our knowledge